The following is an entry in ClinVar:

NM_020774.4(MIB1):c.2905C>T (p.Arg969Cys)

Gene: MIB1 (MIB E3 ubiquitin protein ligase 1; plus strand). Cytogenetic location: 18q11.2.
Variant type: single nucleotide variant.
Coding change: c.2905C>T on transcript NM_020774.4 (MANE Select); coding-DNA position 2905, C replaced by T.
Protein change: p.Arg969Cys; replaces arginine 969 with cysteine.
Molecular consequence: missense variant.
Genome position (GRCh38, 1-based): chr18:21,864,550, C>T. VCF-style: chr18-21864550-C-T. GRCh37 (hg19) VCF-style: chr18-19444511-C-T.
Other names: short protein forms R969C.
Identifiers: ClinVar variation 1223719 (VCV001223719.3), dbSNP rs749620047, ClinGen allele CA8908744.

ClinVar aggregate classification (germline): Uncertain significance (1 of 4 stars; one submission).

Allele frequency attached by ClinVar (database versions not stated): gnomAD exomes below 0.00001; ExAC 0.00001.
gnomAD v4.1: 3 of 1,612,880 alleles (0.00019%); highest among the groups gnomAD compares: South Asian, 0.0011%; no homozygotes.

Submission:

GeneDx
Classification: Uncertain significance. Last evaluated: 2020-07-10. Review status: criteria provided, single submitter. Criteria: GeneDx Variant Classification Process June 2021. Collection method: clinical testing. Allele origin: germline. Affected: yes.
Comment: Has not been previously published as pathogenic or benign to our knowledge; Not observed at a significant frequency in large population cohorts (Lek et al., 2016); In silico analysis supports that this missense variant has a deleterious effect on protein structure/function